The following is an entry in ClinVar:

ClinVar aggregate classification (germline): Uncertain significance (1 of 4 stars; one submission).

Conditions:
Short-rib thoracic dysplasia 14 with polydactyly (SRTD14). Identifiers: Orphanet 397715, MedGen C4225286, MONDO:0014688, OMIM 616546.
Joubert syndrome 23 (JBTS23). Identifiers: Orphanet 475, MedGen C4084822, MONDO:0014664, OMIM 616490.

Allele frequency attached by ClinVar (database versions not stated): TOPMed 0.00001.
gnomAD v4.1: 4 of 1,604,034 alleles (0.00025%); highest among the groups gnomAD compares: Non-Finnish European, 0.00034%; no homozygotes.

Submission:

Labcorp Genetics (formerly Invitae), Labcorp
Classification: Uncertain significance for Joubert syndrome 23; Short-rib thoracic dysplasia 14 with polydactyly. Last evaluated: 2023-08-10. Review status: criteria provided, single submitter. Criteria: Invitae Variant Classification Sherloc (09022015). Collection method: clinical testing. Allele origin: germline.
Comment: This sequence change replaces serine, which is neutral and polar, with arginine, which is basic and polar, at codon 876 of the KIAA0586 protein (p.Ser876Arg). This variant is not present in population databases (gnomAD no frequency). This variant has not been reported in the literature in individuals affected with KIAA0586-related conditions. ClinVar contains an entry for this variant (Variation ID: 1908103). Advanced modeling of protein sequence and biophysical properties (such as structural, functional, and spatial information, amino acid conservation, physicochemical variation, residue mobility, and thermodynamic stability) performed at Invitae indicates that this missense variant is expected to disrupt KIAA0586 protein function. In summary, the available evidence is currently insufficient to determine the role of this variant in disease. Therefore, it has been classified as a Variant of Uncertain Significance.

NM_001329943.3(KIAA0586):c.2469C>A (p.Ser823Arg)

Gene: KIAA0586 (KIAA0586; plus strand). Cytogenetic location: 14q23.1.
Variant type: single nucleotide variant.
Coding change: c.2469C>A on transcript NM_001329943.3 (MANE Select); coding-DNA position 2469, C replaced by A.
Protein change: p.Ser823Arg; replaces serine 823 with arginine.
Molecular consequence: missense variant.
Genome position (GRCh38, 1-based): chr14:58,470,639, C>A. VCF-style: chr14-58470639-C-A. GRCh37 (hg19) VCF-style: chr14-58937357-C-A.
Other names: c.2628C>A, p.Ser876Arg (NM_001244189.2); c.2424C>A, p.Ser808Arg (NM_001244190.2); c.2214C>A, p.Ser738Arg (NM_001244191.2, NM_001329945.2, NM_001364700.1 and 1 more transcripts); c.2337C>A, p.Ser779Arg (NM_001244192.2); c.2049C>A, p.Ser683Arg (NM_001244193.2); c.2469C>A, p.Ser823Arg (NM_001329944.2, NM_001329946.2, NM_001329947.2); c.2241C>A, p.Ser747Arg (NM_014749.5); short protein forms S738R, S779R, S808R, S747R, S823R, S683R, S876R.
Identifiers: ClinVar variation 1908103 (VCV001908103.3), dbSNP rs1038796362, ClinGen allele CA261639127.